The following is an entry in ClinVar:

NM_024652.6(LRRK1):c.5390C>T (p.Pro1797Leu)

Genes: LRRK1 (leucine rich repeat kinase 1; plus strand), LRRK1-AS1 (LRRK1 antisense RNA 1; minus strand). Cytogenetic location: 15q26.3.
Variant type: single nucleotide variant.
Coding change: c.5390C>T on transcript NM_024652.6 (MANE Select); coding-DNA position 5390, C replaced by T.
Protein change: p.Pro1797Leu; replaces proline 1797 with leucine.
Molecular consequence: missense variant.
Genome position (GRCh38, 1-based): chr15:101,065,827, C>T. VCF-style: chr15-101065827-C-T. GRCh37 (hg19) VCF-style: chr15-101606032-C-T.
Other names: c.5390C>T (NM_024652.3); short protein forms P1797L.
Identifiers: ClinVar variation 1512063 (VCV001512063.4), dbSNP rs753519057, ClinGen allele CA7762134.

ClinVar aggregate classification (germline): Conflicting classifications of pathogenicity. Review status: criteria provided, conflicting classifications (1 of 4 stars). 2 submissions from 2 submitters: Uncertain significance (1); Likely benign (1). Last evaluated 2024-07-07.

Conditions:
Inborn genetic diseases. Identifiers: MedGen C0950123, MeSH D030342.

Allele frequency attached by ClinVar (database versions not stated): ExAC 0.00002; gnomAD exomes 0.00002; TOPMed below 0.00001.

Submissions (2):

Ambry Genetics
Classification: Likely benign for Inborn genetic diseases. Last evaluated: 2024-07-07. Review status: criteria provided, single submitter. Criteria: Ambry Variant Classification Scheme 2023. Collection method: clinical testing. Allele origin: germline.

Labcorp Genetics (formerly Invitae), Labcorp
Classification: Uncertain significance. Last evaluated: 2021-11-30. Review status: criteria provided, single submitter. Criteria: Invitae Variant Classification Sherloc (09022015). Collection method: clinical testing. Allele origin: germline.
Comment: This sequence change replaces proline, which is neutral and non-polar, with leucine, which is neutral and non-polar, at codon 1797 of the LRRK1 protein (p.Pro1797Leu). This variant is present in population databases (rs753519057, gnomAD 0.006%). This variant has not been reported in the literature in individuals affected with LRRK1-related conditions. Algorithms developed to predict the effect of missense changes on protein structure and function output the following: SIFT: "Deleterious"; PolyPhen-2: "Benign"; Align-GVGD: "Class C0". The leucine amino acid residue is found in multiple mammalian species, which suggests that this missense change does not adversely affect protein function. In summary, the available evidence is currently insufficient to determine the role of this variant in disease. Therefore, it has been classified as a Variant of Uncertain Significance.